The following is an entry in ClinVar:

NM_000051.4(ATM):c.6332dup (p.His2111fs)

Genes: ATM (ATM serine/threonine kinase; plus strand), C11orf65 (chromosome 11 open reading frame 65; minus strand). Cytogenetic location: 11q22.3.
Variant type: Duplication.
Coding change: c.6332dup on transcript NM_000051.4 (MANE Select); coding-DNA position 6332, one base duplicated (A; older notation c.6332dupA).
Protein change: p.His2111fs; shifts the reading frame from histidine 2111.
Molecular consequence: frameshift variant. On other transcripts: intron variant (2).
Genome position (GRCh38, 1-based): chr11:108,317,506, A duplicated. VCF-style (leftmost placement, unchanged base first): chr11-108317505-C-CA. GRCh37 (hg19) VCF-style: chr11-108188232-C-CA.
Other names: c.6332dupA (NM_000051.4); c.6332dup, p.His2111fs (NM_001351834.2); c.641-8435dup (NM_001330368.2); c.*39-8435dup (NM_001351110.2); short protein forms H2111fs.
Identifiers: ClinVar variation 3896323 (VCV003896323.3).

ClinVar aggregate classification (germline): Pathogenic/Likely pathogenic. Review status: criteria provided, multiple submitters, no conflicts (2 of 4 stars). 2 submissions from 2 submitters: Pathogenic (1); Likely pathogenic (1). Last evaluated 2025-06-25.

Conditions:
Ataxia-telangiectasia syndrome (AT). Also called: LOUIS-BAR SYNDROME; Cerebello-oculocutaneous telangiectasia; Immunodeficiency with ataxia telangiectasia; Ataxia-telangiectasia, complementation group D; AT, COMPLEMENTATION GROUP C; Ataxia telangiectasia (A-T). Identifiers: Orphanet 100, MedGen C0004135, MONDO:0008840, OMIM 208900.
Hereditary cancer-predisposing syndrome. Also called: Neoplastic Syndromes, Hereditary; Tumor predisposition; Hereditary Cancer Syndrome; Hereditary neoplastic syndrome. Identifiers: Orphanet 140162, MedGen C0027672, MeSH D009386, MONDO:0015356.

Submissions (2):

GeneKor MSA
Classification: Likely pathogenic for Hereditary cancer-predisposing syndrome. Last evaluated: 2025-06-25. Review status: criteria provided, single submitter. Criteria: ACMG Guidelines, 2015. Collection method: clinical testing. Allele origin: germline.
Comment: This sequence change duplicates one base in exon 43 of the ATM mRNA (c.6332dup), causing a frameshift after codon 2111. This creates a premature translational stop signal 16 amino acid residues later p.(His2111Glnfs*16) and is expected to result in an absent or disrupted protein product. Truncating variants in ATM are known to be pathogenic (PMID:28779002). It is not present in population databases, however it is present in Clinvar (VCV003896323.2). Based on the classification criteria set by the ACMG and AMP (PMID:25741868) this variant has been classified as likely pathogenic.

Women's Health and Genetics/Laboratory Corporation of America, LabCorp
Classification: Pathogenic for Ataxia-telangiectasia syndrome. Last evaluated: 2025-04-11. Review status: criteria provided, single submitter. Criteria: LabCorp Variant Classification Summary - May 2015. Collection method: clinical testing. Allele origin: germline.
Comment: Variant summary: ATM c.6332dupA (p.His2111GlnfsX16) results in a premature termination codon, predicted to cause a truncation of the encoded protein or absence of the protein due to nonsense mediated decay, which are commonly known mechanisms for disease. The variant was absent in 250340 control chromosomes. c.6332dupA has been observed in individual(s) affected with early-onset colorectal carcinoma (Lee_2024). To our knowledge, no experimental evidence demonstrating an impact on protein function has been reported. The following publication have been ascertained in the context of this evaluation (PMID: 38522067). No submitters have cited clinical-significance assessments for this variant to ClinVar. Based on the evidence outlined above, the variant was classified as pathogenic for Ataxia-Telangiectasia and ATM-related cancers.

Literature cited by the submitters: PubMed 28779002 (cited by GeneKor MSA); PubMed 38522067 (cited by Women's Health and Genetics/Laboratory Corporation of America, LabCorp).